The following is an entry in ClinVar:

ClinVar aggregate classification (germline): Uncertain significance. Review status: criteria provided, multiple submitters, no conflicts (2 of 4 stars). 2 submissions from 2 submitters: Uncertain significance (2). Last evaluated 2024-12-02.

Allele frequency attached by ClinVar (database versions not stated): gnomAD exomes 0.00001; TOPMed 0.00001.
gnomAD v4.1: 8 of 1,168,915 alleles (0.00068%); highest among the groups gnomAD compares: Non-Finnish European, 0.00092%; no homozygotes.

Submissions (2):

Labcorp Genetics (formerly Invitae), Labcorp
Classification: Uncertain significance. Last evaluated: 2024-12-02. Review status: criteria provided, single submitter. Criteria: Invitae Variant Classification Sherloc (09022015). Collection method: clinical testing. Allele origin: germline.
Comment: This sequence change replaces lysine, which is basic and polar, with glutamine, which is neutral and polar, at codon 7 of the RP2 protein (p.Lys7Gln). This variant is not present in population databases (gnomAD no frequency). This variant has not been reported in the literature in individuals affected with RP2-related conditions. ClinVar contains an entry for this variant (Variation ID: 866701). Invitae Evidence Modeling of protein sequence and biophysical properties (such as structural, functional, and spatial information, amino acid conservation, physicochemical variation, residue mobility, and thermodynamic stability) has been performed for this missense variant. However, the output from this modeling did not meet the statistical confidence thresholds required to predict the impact of this variant on RP2 protein function. Algorithms developed to predict the effect of sequence changes on RNA splicing suggest that this variant may create or strengthen a splice site. In summary, the available evidence is currently insufficient to determine the role of this variant in disease. Therefore, it has been classified as a Variant of Uncertain Significance.

Blueprint Genetics
Classification: Uncertain significance. Last evaluated: 2017-06-04. Review status: criteria provided, single submitter. Criteria: ACMG Guidelines, 2015. Collection method: clinical testing. Allele origin: germline.

NM_006915.3(RP2):c.19A>C (p.Lys7Gln)

Genes: RP2 (RP2 activator of ARL3 GTPase; plus strand), LOC130068202 (ATAC-STARR-seq lymphoblastoid active region 29577; plus strand). Cytogenetic location: Xp11.3.
Variant type: single nucleotide variant.
Coding change: c.19A>C on transcript NM_006915.3 (MANE Select); coding-DNA position 19, A replaced by C.
Protein change: p.Lys7Gln; replaces lysine 7 with glutamine.
Molecular consequence: missense variant.
Genome position (GRCh38, 1-based): chrX:46,837,119, A>C. VCF-style: chrX-46837119-A-C. GRCh37 (hg19) VCF-style: chrX-46696554-A-C.
Other names: short protein forms K7Q.
Identifiers: ClinVar variation 866701 (VCV000866701.7), dbSNP rs1924520196, ClinGen allele CA413038172.